The following is an entry in ClinVar:

NR_163197.1(TCP10):n.236C>T

Variant type: single nucleotide variant.
Molecular consequence: non-coding transcript variant (on NR_163194.1).
Genome position: GRCh38 VCF-style: chr6-167382850-G-A. GRCh37 (hg19) VCF-style: chr6-167796338-G-A.
Identifiers: ClinVar variation 2657132 (VCV002657132.23), dbSNP rs146766441, ClinGen allele CA4098092.

ClinVar aggregate classification (germline): Likely benign (1 of 4 stars; one submission).

Submission:

CeGaT Center for Human Genetics Tuebingen
Classification: Likely benign. Last evaluated: 2022-09-01. Review status: criteria provided, single submitter. Criteria: CeGaT Center For Human Genetics Tuebingen Variant Classification Criteria Version 2. Collection method: clinical testing. Allele origin: germline. Affected: yes. Observed: 1 variant allele.
Comment: TCP10L3: BP4, BP7